The following is an entry in ClinVar:

ClinVar aggregate classification (germline): Conflicting classifications of pathogenicity. Review status: criteria provided, conflicting classifications (1 of 4 stars). 3 submissions from 3 submitters: Uncertain significance (2); Likely benign (1). Last evaluated 2025-11-03.

Conditions:
PDE6A-related disorder. Also called: PDE6A-related condition.

Allele frequency attached by ClinVar (database versions not stated): gnomAD below 0.00001 and 0.00002; gnomAD exomes 0.00004 and 0.00008; ExAC 0.00009.
gnomAD v4.1: 68 of 1,613,950 alleles (0.0042%); highest among the groups gnomAD compares: South Asian, 0.069%; 1 homozygote.

Submissions (3):

Labcorp Genetics (formerly Invitae), Labcorp
Classification: Uncertain significance. Last evaluated: 2025-11-03. Review status: criteria provided, single submitter. Criteria: Invitae Variant Classification Sherloc (09022015). Collection method: clinical testing. Allele origin: germline.
Comment: This sequence change falls in intron 2 of the PDE6A gene. It does not directly change the encoded amino acid sequence of the PDE6A protein. It affects a nucleotide within the consensus splice site. This variant is present in population databases (rs767879585, gnomAD 0.06%). This variant has not been reported in the literature in individuals affected with PDE6A-related conditions. ClinVar contains an entry for this variant (Variation ID: 1010302). Variants that disrupt the consensus splice site are a relatively common cause of aberrant splicing (PMID: 17576681, 9536098). Algorithms developed to predict the effect of sequence changes on RNA splicing suggest that this variant is not likely to affect RNA splicing. In summary, the available evidence is currently insufficient to determine the role of this variant in disease. Therefore, it has been classified as a Variant of Uncertain Significance.

PreventionGenetics, part of Exact Sciences
Classification: Likely benign for PDE6A-related condition. Last evaluated: 2025-06-17. Review status: criteria provided, single submitter. Criteria: ACMG Guidelines, 2015. Collection method: clinical testing. Allele origin: germline.
Comment: This variant is classified as likely benign based on ACMG/AMP sequence variant interpretation guidelines (Richards et al. 2015 PMID: 25741868, with internal and published modifications).

Blueprint Genetics
Classification: Uncertain significance. Last evaluated: 2024-11-11. Review status: criteria provided, single submitter. Criteria: ACMG Guidelines, 2015. Collection method: clinical testing. Allele origin: germline.

Literature cited by the submitters: PubMed 17576681 (cited by Labcorp Genetics (formerly Invitae), Labcorp); PubMed 9536098 (cited by Labcorp Genetics (formerly Invitae), Labcorp).

NM_000440.3(PDE6A):c.627+5G>A

Gene: PDE6A (phosphodiesterase 6A; minus strand). Cytogenetic location: 5q32.
Variant type: single nucleotide variant.
Coding change: c.627+5G>A on transcript NM_000440.3 (MANE Select); 5 bases into the intron after coding-DNA position 627, G replaced by A.
Molecular consequence: intron variant.
Genome position (GRCh38, 1-based): chr5:149,934,561, C>T on the plus strand (G>A on the coding strand, the complement: PDE6A is on the minus strand). VCF-style: chr5-149934561-C-T. GRCh37 (hg19) VCF-style: chr5-149314124-C-T.
Other names: c.627+5G>A (NM_000440.2).
Identifiers: ClinVar variation 1010302 (VCV001010302.8), dbSNP rs767879585, ClinGen allele CA3505011.